The following is an entry in ClinVar:

NM_001033561.2(PHF12):c.2359+134dup

Gene: PHF12 (PHD finger protein 12; minus strand). Cytogenetic location: 17q11.2.
Variant type: Duplication.
Coding change: c.2359+134dup on transcript NM_001033561.2 (MANE Select); 134 bases into the intron after coding-DNA position 2359, one base duplicated (A; older notation c.2359+134dupA).
Molecular consequence: intron variant. On other transcripts: frameshift variant (1).
Genome position (GRCh38, 1-based): chr17:28,910,092, T duplicated on the plus strand (A on the coding strand, the reverse complement: PHF12 is on the minus strand); the first of 3 consecutive T bases (chr17:28,910,092-28,910,094); duplicating any one gives the same sequence. VCF-style (leftmost placement, unchanged base first): chr17-28910091-C-CT. GRCh37 (hg19) VCF-style: chr17-27237109-C-CT.
Other names: c.2493dup, p.Ala832fs (NM_001290131.2); short protein forms A832fs.
Identifiers: ClinVar variation 3388677 (VCV003388677.14).

ClinVar aggregate classification (germline): Uncertain significance (1 of 4 stars; one submission).

Submission:

CeGaT Center for Human Genetics Tuebingen
Classification: Uncertain significance. Last evaluated: 2024-10-01. Review status: criteria provided, single submitter. Criteria: CeGaT Center For Human Genetics Tuebingen Variant Classification Criteria Version 2. Collection method: clinical testing. Allele origin: germline. Affected: yes. Observed: 1 variant allele.
Comment: PHF12: PM2